The following is an entry in ClinVar:

ClinVar aggregate classification (germline): Uncertain significance (1 of 4 stars; one submission).

gnomAD v4.1: 14 of 763,936 alleles (0.0018%); highest among the groups gnomAD compares: African/African-American, 0.015%; no homozygotes.

Submission:

Labcorp Genetics (formerly Invitae), Labcorp
Classification: Uncertain significance. Last evaluated: 2026-01-05. Review status: criteria provided, single submitter. Criteria: Invitae Variant Classification Sherloc (09022015). Collection method: clinical testing. Allele origin: germline.
Comment: This variant occurs in the SNORD118 gene, which encodes an RNA molecule that does not result in a protein product. This variant is present in population databases (rs117735243, gnomAD 0.009%). This variant has not been reported in the literature in individuals affected with SNORD118-related conditions. ClinVar contains an entry for this variant (Variation ID: 1935703). Experimental studies and prediction algorithms are not available or were not evaluated, and the functional significance of this variant is currently unknown. In summary, the available evidence is currently insufficient to determine the role of this variant in disease. Therefore, it has been classified as a Variant of Uncertain Significance.

NR_033294.2(SNORD118):n.3C>G

Genes: TMEM107 (transmembrane protein 107; minus strand), SNORD118 (small nucleolar RNA, C/D box 118; minus strand). Cytogenetic location: 17p13.1.
Variant type: single nucleotide variant.
Molecular consequence: non-coding transcript variant (on NR_033294.2). On other transcripts: 3 prime UTR variant (5).
Genome position: GRCh38 VCF-style: chr17-8173586-G-C. GRCh37 (hg19) VCF-style: chr17-8076904-G-C.
Other names: c.*617C>G (NM_001351278.2, NM_001351279.2, NM_001351280.2 and 2 more transcripts).
Identifiers: ClinVar variation 1935703 (VCV001935703.5), dbSNP rs117735243, ClinGen allele CA8370845.